The following is an entry in ClinVar:

NM_000222.3(KIT):c.2201C>T (p.Thr734Ile)

Gene: KIT (KIT proto-oncogene, receptor tyrosine kinase; plus strand). Cytogenetic location: 4q12.
Variant type: single nucleotide variant.
Coding change: c.2201C>T on transcript NM_000222.3 (MANE Select); coding-DNA position 2201, C replaced by T.
Protein change: p.Thr734Ile; replaces threonine 734 with isoleucine.
Molecular consequence: missense variant.
Genome position (GRCh38, 1-based): chr4:54,731,387, C>T. VCF-style: chr4-54731387-C-T. GRCh37 (hg19) VCF-style: chr4-55597553-C-T.
Other names: c.2189C>T, p.Thr730Ile (NM_001093772.2, NM_001385292.1); c.2204C>T, p.Thr735Ile (NM_001385284.1); c.2198C>T, p.Thr733Ile (NM_001385285.1); c.2186C>T, p.Thr729Ile (NM_001385286.1); c.2192C>T, p.Thr731Ile (NM_001385288.1); c.2201C>T, p.Thr734Ile (NM_001385290.1); short protein forms T729I, T733I, T734I, T730I, T735I, T731I.
Identifiers: ClinVar variation 5023305 (VCV005023305.1).
Genomic context (GRCh38, chr4:54,731,387, plus strand): 5'-GCAGCGATAGTACTAATGAGTACATGGACATGAAACCTGGAGTTTCTTATGTTGTCCCAA[C>T]CAAGGCCGACAAAAGGAGATCTGTGAGAATAGGTGAGTACCTACCTATCAAGCAACCAAG-3'
Protein context (NP_000213.1, residues 724-744): MKPGVSYVVP[Thr734Ile]KADKRRSVRI

ClinVar aggregate classification (germline): Uncertain significance (1 of 4 stars; one submission).

Conditions:
Hereditary cancer-predisposing syndrome. Also called: Neoplastic Syndromes, Hereditary; Tumor predisposition; Hereditary neoplastic syndrome; Hereditary Cancer Syndrome. Identifiers: Orphanet 140162, MedGen C0027672, MeSH D009386, MONDO:0015356.

Submission:

Ambry Genetics
Classification: Uncertain significance for Hereditary cancer-predisposing syndrome. Last evaluated: 2026-07-06. Review status: criteria provided, single submitter. Criteria: Ambry Variant Classification Scheme 2023. Collection method: clinical testing. Allele origin: germline.
Comment: The p.T734I variant (also known as c.2201C>T), located in coding exon 15 of the KIT gene, results from a C to T substitution at nucleotide position 2201. The threonine at codon 734 is replaced by isoleucine, an amino acid with similar properties. This amino acid position is conserved. In addition, this alteration is predicted to be tolerated by in silico analysis. Based on the available evidence, the clinical significance of this variant remains unclear.